The following is an entry in ClinVar:

ClinVar aggregate classification (germline): Conflicting classifications of pathogenicity. Review status: criteria provided, conflicting classifications (1 of 4 stars). 8 submissions from 8 submitters: Uncertain significance (1); Benign (7). Last evaluated 2026-01-31.

Conditions:
Autosomal recessive nonsyndromic hearing loss 3. Also called: NEUROSENSORY NONSYNDROMIC RECESSIVE DEAFNESS 3. Identifiers: Orphanet 90636, MedGen C1838263, MONDO:0010860, OMIM 600316.

Allele frequency attached by ClinVar (database versions not stated): gnomAD exomes 0.00544; ExAC 0.00921; ESP Exome Variant Server 0.01176; gnomAD 0.01975 and 0.02081; TOPMed 0.02111; 1000 Genomes Project 0.02196; 1000 Genomes Project 30x 0.02327.
gnomAD v4.1: 8,498 of 1,451,342 alleles (0.59%); highest among the groups gnomAD compares: African/African-American, 6.4%; 178 homozygotes.

Submissions (8):

Labcorp Genetics (formerly Invitae), Labcorp
Classification: Benign. Last evaluated: 2026-01-31. Review status: criteria provided, single submitter. Criteria: Invitae Variant Classification Sherloc (09022015). Collection method: clinical testing. Allele origin: germline.

Blueprint Genetics
Classification: Benign. Last evaluated: 2024-11-26. Review status: criteria provided, single submitter. Criteria: ACMG Guidelines, 2015. Collection method: clinical testing. Allele origin: germline.

ARUP Laboratories, Molecular Genetics and Genomics, ARUP Laboratories
Classification: Benign for Autosomal recessive nonsyndromic hearing loss 3. Last evaluated: 2023-11-29. Review status: criteria provided, single submitter. Criteria: ARUP Molecular Germline Variant Investigation Process 2024. Collection method: clinical testing. Allele origin: germline.

Illumina Laboratory Services, Illumina
Classification: Uncertain significance for Autosomal recessive nonsyndromic hearing loss 3. Last evaluated: 2018-01-13. Review status: criteria provided, single submitter. Criteria: ICSL Variant Classification Criteria 13 December 2019. Collection method: clinical testing. Allele origin: germline.

GeneDx
Classification: Benign. Last evaluated: 2017-10-05. Review status: criteria provided, single submitter. Criteria: GeneDx Variant Classification (06012015). Collection method: clinical testing. Allele origin: germline. Affected: yes.
Comment: This variant is considered likely benign or benign based on one or more of the following criteria: it is a conservative change, it occurs at a poorly conserved position in the protein, it is predicted to be benign by multiple in silico algorithms, and/or has population frequency not consistent with disease.

Eurofins Ntd Llc (ga)
Classification: Benign. Last evaluated: 2016-02-26. Review status: criteria provided, single submitter. Criteria: EGL Classification Definitions 2015. Collection method: clinical testing. Allele origin: germline. Observed: 6 variant alleles, 5 heterozygotes, 1 homozygote.

Laboratory for Molecular Medicine, Mass General Brigham Personalized Medicine
Classification: Benign. Last evaluated: 2012-04-30. Review status: criteria provided, single submitter. Criteria: LMM Criteria. Collection method: clinical testing. Allele origin: germline. Observed: 4 variant alleles.
Comment: p.Gln821Pro in Exon 02 of MYO15A: This variant is not expected to have clinical significance because it has been identified in 3.7% (56/1508) of African America n chromosomes from a broad population by the NHLBI Exome Sequencing Project.

PreventionGenetics, part of Exact Sciences
Classification: Benign. Review status: criteria provided, single submitter. Criteria: ACMG Guidelines, 2015. Collection method: clinical testing. Allele origin: germline.

NM_016239.4(MYO15A):c.2462A>C (p.Gln821Pro)

Gene: MYO15A (myosin XVA; plus strand). Cytogenetic location: 17p11.2.
Variant type: single nucleotide variant.
Coding change: c.2462A>C on transcript NM_016239.4 (MANE Select); coding-DNA position 2462, A replaced by C.
Protein change: p.Gln821Pro; replaces glutamine 821 with proline.
Molecular consequence: missense variant.
Genome position (GRCh38, 1-based): chr17:18,121,262, A>C. VCF-style: chr17-18121262-A-C. GRCh37 (hg19) VCF-style: chr17-18024576-A-C.
Other names: short protein forms Q821P.
Identifiers: ClinVar variation 226781 (VCV000226781.30), dbSNP rs372125621, ClinGen allele CA8423271.